The following is an entry in ClinVar:

ClinVar aggregate classification (germline): Uncertain significance. Review status: criteria provided, multiple submitters, no conflicts (2 of 4 stars). 2 submissions from 2 submitters: Uncertain significance (2). Last evaluated 2022-05-06.

Conditions:
Familial idiopathic hypercalciuria (HCA2). Also called: Hypercalciuria, absorptive, 2; Hypercalciuria, absorptive, susceptibility to. Identifiers: MedGen C0342639, MONDO:0007748, OMIM 143870.

Allele frequency attached by ClinVar (database versions not stated): gnomAD 0.00001; gnomAD exomes 0.00003 and 0.00004; ExAC 0.00004; 1000 Genomes Project 0.00020; 1000 Genomes Project 30x 0.00031.
gnomAD v4.1: 42 of 1,614,170 alleles (0.0026%); highest among the groups gnomAD compares: South Asian, 0.042%; 1 homozygote.

Submissions (2):

Fulgent Genetics
Classification: Uncertain significance for Familial idiopathic hypercalciuria. Last evaluated: 2022-05-06. Review status: criteria provided, single submitter. Criteria: ACMG Guidelines, 2015. Collection method: clinical testing. Allele origin: unknown.

Labcorp Genetics (formerly Invitae), Labcorp
Classification: Uncertain significance. Last evaluated: 2021-08-16. Review status: criteria provided, single submitter. Criteria: Invitae Variant Classification Sherloc (09022015). Collection method: clinical testing. Allele origin: germline.
Comment: This sequence change replaces threonine with alanine at codon 117 of the ADCY10 protein (p.Thr117Ala). The threonine residue is moderately conserved and there is a small physicochemical difference between threonine and alanine. This variant is present in population databases (rs529970359, ExAC 0.03%). This variant has not been reported in the literature in individuals affected with ADCY10-related conditions. Algorithms developed to predict the effect of missense changes on protein structure and function are either unavailable or do not agree on the potential impact of this missense change (SIFT: "Deleterious"; PolyPhen-2: "Probably Damaging"; Align-GVGD: "Class C0"). In summary, the available evidence is currently insufficient to determine the role of this variant in disease. Therefore, it has been classified as a Variant of Uncertain Significance.

NM_018417.6(ADCY10):c.349A>G (p.Thr117Ala)

Genes: ADCY10 (adenylate cyclase 10; minus strand), DCAF6 (DDB1 and CUL4 associated factor 6; plus strand). Cytogenetic location: 1q24.2.
Variant type: single nucleotide variant.
Coding change: c.349A>G on transcript NM_018417.6 (MANE Select); coding-DNA position 349, A replaced by G.
Protein change: p.Thr117Ala; replaces threonine 117 with alanine.
Molecular consequence: missense variant. On other transcripts: intron variant (1).
Genome position (GRCh38, 1-based): chr1:167,901,749, T>C on the plus strand (A>G on the coding strand, the complement: ADCY10 is on the minus strand). VCF-style: chr1-167901749-T-C. GRCh37 (hg19) VCF-style: chr1-167870987-T-C.
Other names: c.73A>G, p.Thr25Ala (NM_001297772.2); c.-24+267A>G (NM_001167749.3); short protein forms T25A, T117A.
Identifiers: ClinVar variation 1347665 (VCV001347665.7), dbSNP rs529970359, ClinGen allele CA1228303.